The following is an entry in ClinVar:

NM_173598.6(KSR2):c.2690T>C (p.Ile897Thr)

Gene: KSR2 (kinase suppressor of ras 2; minus strand). Cytogenetic location: 12q24.22.
Variant type: single nucleotide variant.
Coding change: c.2690T>C on transcript NM_173598.6 (MANE Select); coding-DNA position 2690, T replaced by C.
Protein change: p.Ile897Thr; replaces isoleucine 897 with threonine.
Molecular consequence: missense variant.
Genome position (GRCh38, 1-based): chr12:117,471,213, A>G on the plus strand (T>C on the coding strand, the complement: KSR2 is on the minus strand). VCF-style: chr12-117471213-A-G. GRCh37 (hg19) VCF-style: chr12-117909018-A-G.
Other names: short protein forms I897T.
Identifiers: ClinVar variation 4986365 (VCV004986365.1).

ClinVar aggregate classification (germline): Uncertain significance (1 of 4 stars; one submission).

Conditions:
KSR2-related disorder. Also called: KSR2-related condition.

gnomAD v4.1: 21 of 1,613,754 alleles (0.0013%); highest among the groups gnomAD compares: African/African-American, 0.0053%; no homozygotes.

Submission:

PreventionGenetics, part of Exact Sciences
Classification: Uncertain significance for KSR2-related condition. Last evaluated: 2026-03-10. Review status: criteria provided, single submitter. Criteria: ACMG Guidelines, 2015. Collection method: clinical testing. Allele origin: germline.
Comment: The KSR2 c.2603T>C variant is predicted to result in the amino acid substitution p.Ile868Thr. To our knowledge, this variant has not been reported in the literature. This variant is reported in 0.0083% of alleles in individuals of African descent in gnomAD. At this time, the clinical significance of this variant is uncertain due to the absence of conclusive functional and genetic evidence.